The following is an entry in ClinVar:

NM_007294.4(BRCA1):c.134+4294A>T

Gene: BRCA1 (BRCA1 DNA repair associated; minus strand). Cytogenetic location: 17q21.31.
Variant type: single nucleotide variant.
Coding change: c.134+4294A>T on transcript NM_007294.4 (MANE Select); 4294 bases into the intron after coding-DNA position 134, A replaced by T.
Molecular consequence: intron variant.
Genome position (GRCh38, 1-based): chr17:43,111,432, T>A on the plus strand (A>T on the coding strand, the complement: BRCA1 is on the minus strand). VCF-style: chr17-43111432-T-A. GRCh37 (hg19) VCF-style: chr17-41263449-T-A.
Other names: IVS 3+4294A>T; c.134+4294A>T (NM_001407654.1, NM_001408408.1, NM_001407647.1 and 191 more transcripts); c.-55+4294A>T (NM_001408509.1, NM_001408508.1, NM_001408491.1 and 52 more transcripts); c.-170-852A>T (NM_001408492.1, NM_001407900.1); c.-123-852A>T (NM_001408468.1, NM_001407842.1, NM_001407749.1 and 13 more transcripts); c.-55+1055A>T (NM_001407889.1); c.-8+1055A>T (NM_001407695.1); c.-8+4294A>T (NM_001407846.1, NM_001408503.1, NM_001407943.1 and 47 more transcripts); and 10 more.
Identifiers: ClinVar variation 209515 (VCV000209515.2), dbSNP rs188719262, ClinGen allele CA276484.

ClinVar aggregate classification (germline): Benign (3 of 4 stars; one submission).

Conditions:
Breast-ovarian cancer, familial, susceptibility to, 1 (BROVCA1). Also called: BRCA1 Hereditary Breast and Ovarian Cancer; OVARIAN CANCER, SUSCEPTIBILITY TO. Identifiers: Orphanet 145, MedGen C2676676, MONDO:0011450, OMIM 604370. Disease mechanism: loss of function.

Submission:

Evidence-based Network for the Interpretation of Germline Mutant Alleles (ENIGMA)
Classification: Benign for Breast-ovarian cancer, familial 1. Last evaluated: 2015-01-12. Review status: reviewed by expert panel. Criteria: ENIGMA BRCA1/2 Classification Criteria (2015). Collection method: curation. Allele origin: germline.
Comment: Class 1 not pathogenic based on frequency >1% in an outbred sampleset. Frequency 0.03322 (Asian), 0.04472 (African), 0.02902 (European), derived from 1000 genomes (2012-04-30).